The following is an entry in ClinVar:

ClinVar aggregate classification (germline): Uncertain significance (1 of 4 stars; one submission).

Allele frequency attached by ClinVar (database versions not stated): ExAC 0.00001; gnomAD exomes 0.00001; TOPMed 0.00002; gnomAD 0.00003.
gnomAD v4.1: 18 of 1,605,732 alleles (0.0011%); highest among the groups gnomAD compares: Middle Eastern, 0.017%; no homozygotes.

Submission:

Labcorp Genetics (formerly Invitae), Labcorp
Classification: Uncertain significance. Last evaluated: 2022-04-21. Review status: criteria provided, single submitter. Criteria: Invitae Variant Classification Sherloc (09022015). Collection method: clinical testing. Allele origin: germline.
Comment: This sequence change replaces proline, which is neutral and non-polar, with leucine, which is neutral and non-polar, at codon 630 of the ASXL2 protein (p.Pro630Leu). In summary, the available evidence is currently insufficient to determine the role of this variant in disease. Therefore, it has been classified as a Variant of Uncertain Significance. Algorithms developed to predict the effect of missense changes on protein structure and function output the following: SIFT: "Tolerated"; PolyPhen-2: "Not Available"; Align-GVGD: "Class C0". The leucine amino acid residue is found in multiple mammalian species, which suggests that this missense change does not adversely affect protein function. This variant has not been reported in the literature in individuals affected with ASXL2-related conditions. This variant is present in population databases (rs767307523, gnomAD 0.02%).

NM_018263.6(ASXL2):c.1889C>T (p.Pro630Leu)

Gene: ASXL2 (ASXL transcriptional regulator 2; minus strand). Cytogenetic location: 2p23.3.
Variant type: single nucleotide variant.
Coding change: c.1889C>T on transcript NM_018263.6 (MANE Select); coding-DNA position 1889, C replaced by T.
Protein change: p.Pro630Leu; replaces proline 630 with leucine.
Molecular consequence: missense variant.
Genome position (GRCh38, 1-based): chr2:25,744,448, G>A on the plus strand (C>T on the coding strand, the complement: ASXL2 is on the minus strand). VCF-style: chr2-25744448-G-A. GRCh37 (hg19) VCF-style: chr2-25967317-G-A.
Other names: c.1715C>T, p.Pro572Leu (NM_001369346.1); c.1109C>T, p.Pro370Leu (NM_001369347.1); short protein forms P630L, P370L, P572L.
Identifiers: ClinVar variation 2187757 (VCV002187757.4), dbSNP rs767307523, ClinGen allele CA1557728.
Genomic context (GRCh38, chr2:25,744,448, plus strand): 5'-TTAGGACTAGTGATGGAGACTGGAAAACGAGCCCTGGGAGAGACCTGCGATGGATGAAAC[G>A]GCATGGGGGAGATTCTGGAGACCGGGATCTGAAAGAAGTAGAGGGGAAAAAAACAACAGA-3'
Protein context (NP_060733.4, residues 620-640): KIPVSRISPM[Pro630Leu]FHPSQVSPRA